The following is an entry in ClinVar:

NM_003743.5(NCOA1):c.3527A>G (p.Asn1176Ser)

Gene: NCOA1 (nuclear receptor coactivator 1; plus strand). Cytogenetic location: 2p23.3.
Variant type: single nucleotide variant.
Coding change: c.3527A>G on transcript NM_003743.5 (MANE Select); coding-DNA position 3527, A replaced by G.
Protein change: p.Asn1176Ser; replaces asparagine 1176 with serine.
Molecular consequence: missense variant.
Genome position (GRCh38, 1-based): chr2:24,742,007, A>G. VCF-style: chr2-24742007-A-G. GRCh37 (hg19) VCF-style: chr2-24964876-A-G.
Other names: c.3527A>G, p.Asn1176Ser (NM_001362950.1, NM_001362952.1, NM_001362954.1 and 3 more transcripts); short protein forms N1176S.
Identifiers: ClinVar variation 3351315 (VCV003351315.1).

ClinVar aggregate classification (germline): Uncertain significance (0 of 4 stars; one submission).

Conditions:
NCOA1-related disorder. Also called: NCOA1-related condition.

Submission:

PreventionGenetics, part of Exact Sciences
Classification: Uncertain significance for NCOA1-related condition. Last evaluated: 2024-08-19. Review status: no assertion criteria provided. Collection method: clinical testing. Allele origin: germline.
Comment: The NCOA1 c.3527A>G variant is predicted to result in the amino acid substitution p.Asn1176Ser. To our knowledge, this variant has not been reported in the literature. This variant is reported in 0.0029% of alleles in individuals of Latino descent in gnomAD. At this time, the clinical significance of this variant is uncertain due to the absence of conclusive functional and genetic evidence.